The following is an entry in ClinVar:

NM_000814.6(GABRB3):c.470C>T (p.Thr157Met)

Gene: GABRB3 (gamma-aminobutyric acid type A receptor subunit beta3; minus strand). Cytogenetic location: 15q12.
Variant type: single nucleotide variant.
Coding change: c.470C>T on transcript NM_000814.6 (MANE Select); coding-DNA position 470, C replaced by T.
Protein change: p.Thr157Met; replaces threonine 157 with methionine.
Molecular consequence: missense variant.
Genome position (GRCh38, 1-based): chr15:26,583,406, G>A on the plus strand (C>T on the coding strand, the complement: GABRB3 is on the minus strand). VCF-style: chr15-26583406-G-A. GRCh37 (hg19) VCF-style: chr15-26828553-G-A.
Other names: c.215C>T, p.Thr72Met (NM_001191320.2, NM_001278631.2); c.257C>T, p.Thr86Met (NM_001191321.3); c.470C>T, p.Thr157Met (NM_021912.5); short protein forms T86M, T157M, T72M.
Identifiers: ClinVar variation 1460165 (VCV001460165.8), dbSNP rs2140737885, ClinGen allele CA391458132.

ClinVar aggregate classification (germline): Pathogenic/Likely pathogenic. Review status: criteria provided, multiple submitters, no conflicts (2 of 4 stars). 3 submissions from 3 submitters: Pathogenic (1); Likely pathogenic (2). Last evaluated 2026-01-05.

Conditions:
Epilepsy, childhood absence, susceptibility to, 1. Also called: Epilepsy, childhood absence 1. Identifiers: Orphanet 64280, MedGen C1838604, MONDO:0020759, OMIM 600131.
Epilepsy, childhood absence, susceptibility to, 5. Identifiers: Orphanet 64280, MedGen C2677087, MONDO:0012843, OMIM 612269.
Paediatric disorders.
GABRB3-related disorder. Also called: GABRB3-related condition.

Allele frequency attached by ClinVar (database versions not stated): gnomAD exomes below 0.00001.
gnomAD v4.1: 4 of 1,613,452 alleles (0.00025%); highest among the groups gnomAD compares: Non-Finnish European, 0.00025%; no homozygotes.

Submissions (3):

North West Genomic Laboratory Hub, Manchester University NHS Foundation Trust
Classification: Likely pathogenic for Paediatric disorders. Last evaluated: 2026-01-05. Review status: criteria provided, single submitter. Criteria: ACGS Best Practice Guidelines for Variant Classification in Rare Disease 2024. Collection method: clinical testing. Allele origin: germline. Affected: yes.
Comment: PS3_Supp PS4_Mod PP2_Supp PP3_Supp PP1_Mod

Blueprint Genetics
Classification: Likely pathogenic for GABRB3-related disorders. Last evaluated: 2024-05-27. Review status: criteria provided, single submitter. Criteria: ACMG Guidelines, 2015. Collection method: clinical testing. Allele origin: germline. Affected: yes. Observed: 1 variant allele.

Labcorp Genetics (formerly Invitae), Labcorp
Classification: Pathogenic for Epilepsy, childhood absence, susceptibility to, 5; Epilepsy, childhood absence, susceptibility to, 1. Last evaluated: 2023-06-16. Review status: criteria provided, single submitter. Criteria: Invitae Variant Classification Sherloc (09022015). Collection method: clinical testing. Allele origin: germline.
Comment: For these reasons, this variant has been classified as Pathogenic. Experimental studies have shown that this missense change affects GABRB3 function (PMID: 30728247). This sequence change replaces threonine, which is neutral and polar, with methionine, which is neutral and non-polar, at codon 157 of the GABRB3 protein (p.Thr157Met). This variant is not present in population databases (gnomAD no frequency). This missense change has been observed in individual(s) with GABRB3-related conditions (PMID: 27476654, 28053010). It has also been observed to segregate with disease in related individuals. ClinVar contains an entry for this variant (Variation ID: 1460165). Advanced modeling of protein sequence and biophysical properties (such as structural, functional, and spatial information, amino acid conservation, physicochemical variation, residue mobility, and thermodynamic stability) performed at Invitae indicates that this missense variant is expected to disrupt GABRB3 protein function.

Literature cited by the submitters: PubMed 30728247 (cited by Labcorp Genetics (formerly Invitae), Labcorp); PubMed 27476654 (cited by Labcorp Genetics (formerly Invitae), Labcorp); PubMed 28053010 (cited by Labcorp Genetics (formerly Invitae), Labcorp).